The following is an entry in ClinVar:

NM_000116.5(TAFAZZIN):c.761C>T (p.Ala254Val)

Gene: TAFAZZIN (tafazzin, phospholipid-lysophospholipid transacylase; plus strand). Cytogenetic location: Xq28.
Variant type: single nucleotide variant.
Coding change: c.761C>T on transcript NM_000116.5 (MANE Select); coding-DNA position 761, C replaced by T.
Protein change: p.Ala254Val; replaces alanine 254 with valine.
Molecular consequence: missense variant. On other transcripts: non-coding transcript variant (1).
Genome position (GRCh38, 1-based): chrX:154,420,719, C>T. VCF-style: chrX-154420719-C-T. GRCh37 (hg19) VCF-style: chrX-153649058-C-T.
Other names: c.773C>T, p.Ala258Val (NM_001303465.2); c.671C>T, p.Ala224Val (NM_181311.4); c.719C>T, p.Ala240Val (NM_181312.4); c.629C>T, p.Ala210Val (NM_181313.4); short protein forms A254V, A210V, A224V, A240V, A258V.
Identifiers: ClinVar variation 451312 (VCV000451312.21), dbSNP rs200909606, ClinGen allele CA10562432.
Genomic context (GRCh38, chrX:154,420,719, plus strand): 5'-AAATCACTGTGCTGATCGGGAAGCCCTTCAGTGCCCTGCCTGTACTCGAGCGGCTCCGGG[C>T]GGAGAACAAGTCGGCTGTGAGTTTCCTCCTGGGTCCCCCGTAGCTGTCCCCGGACCCCCT-3'
Protein context (NP_000107.1, residues 244-264): SALPVLERLR[Ala254Val]ENKSAVEMRK

ClinVar aggregate classification (germline): Conflicting classifications of pathogenicity. Review status: criteria provided, conflicting classifications (1 of 4 stars). 9 submissions from 7 submitters: Uncertain significance (2); Benign (3); Likely benign (2). 2 of the submissions do not count toward it. Last evaluated 2026-09-24.

Conditions:
TAFAZZIN-related disorder. Also called: TAFAZZIN-Related Disorders; TAFAZZIN-related condition.
Cardiovascular phenotype. Identifiers: MedGen CN230736.
Endocardial fibroelastosis (EFE). Identifiers: Orphanet 2022, MedGen C0014117, MONDO:0009169, OMIM 226000, HP:0001706.
3-Methylglutaconic aciduria type 2 (BTHS). Also called: Barth syndrome; CARDIOSKELETAL MYOPATHY WITH NEUTROPENIA AND ABNORMAL MITOCHONDRIA. Identifiers: Orphanet 111, MedGen C0574083, MONDO:0010543, OMIM 302060.
Primary dilated cardiomyopathy (DCM). Also called: Dilated Cardiomyopathy. Identifiers: Orphanet 217604, MedGen C0007193, MeSH D002311, MONDO:0005021, HP:0001644. Inheritance: Various modes of inheritance.

Allele frequency attached by ClinVar (database versions not stated): gnomAD 0.00003 and 0.00006; gnomAD exomes 0.00006 and 0.00015; TOPMed 0.00009; ExAC 0.00013; 1000 Genomes Project 30x 0.00062; 1000 Genomes Project 0.00079.
gnomAD v4.1: 69 of 1,209,186 alleles (0.0057%); highest among the groups gnomAD compares: East Asian, 0.12%; no homozygotes.

Submissions (9):

PreventionGenetics, part of Exact Sciences
Classification: Likely benign for TAFAZZIN-related condition. Last evaluated: 2026-09-24. Review status: criteria provided, single submitter. Criteria: ACMG Guidelines, 2015. Collection method: clinical testing. Allele origin: germline.
Comment: This variant is classified as likely benign based on ACMG/AMP sequence variant interpretation guidelines (Richards et al. 2015 PMID: 25741868, with internal and published modifications).

Labcorp Genetics (formerly Invitae), Labcorp
Classification: Likely benign for 3-Methylglutaconic aciduria type 2. Last evaluated: 2026-01-14. Review status: criteria provided, single submitter. Criteria: Invitae Variant Classification Sherloc (09022015). Collection method: clinical testing. Allele origin: germline.

Ambry Genetics
Classification: Benign for Cardiovascular phenotype. Last evaluated: 2022-08-11. Review status: criteria provided, single submitter. Criteria: Ambry Variant Classification Scheme 2023. Collection method: clinical testing. Allele origin: germline.

Illumina Laboratory Services, Illumina
Classification: Benign for Endocardial fibroelastosis. Last evaluated: 2018-01-12. Review status: criteria provided, single submitter. Criteria: ICSL Variant Classification Criteria 13 December 2019. Collection method: clinical testing. Allele origin: germline.
Comment: This variant was observed in the ICSL laboratory as part of a predisposition screen in an ostensibly healthy population. It had not been previously curated by ICSL or reported in the Human Gene Mutation Database (HGMD: prior to June 1st, 2018), and was therefore a candidate for classification through an automated scoring system. Utilizing variant allele frequency, disease prevalence and penetrance estimates, and inheritance mode, an automated score was calculated to assess if this variant is too frequent to cause the disease. Based on the score and internal cut-off values, a variant classified as benign is not then subjected to further curation. The score for this variant resulted in a classification of benign for this disease.

Illumina Laboratory Services, Illumina
Classification: Benign for 3-Methylglutaconic aciduria type 2. Last evaluated: 2018-01-12. Review status: criteria provided, single submitter. Criteria: ICSL Variant Classification Criteria 13 December 2019. Collection method: clinical testing. Allele origin: germline.
Comment: the same text as in the submission from Illumina Laboratory Services, Illumina above.

Illumina Laboratory Services, Illumina
Classification: Uncertain significance for Primary dilated cardiomyopathy. Last evaluated: 2018-01-12. Review status: criteria provided, single submitter. Criteria: ICSL Variant Classification Criteria 13 December 2019. Collection method: clinical testing. Allele origin: germline.

GeneDx
Classification: Uncertain significance. Last evaluated: 2017-08-11. Review status: criteria provided, single submitter. Criteria: GeneDx Variant Classification (06012015). Collection method: clinical testing. Allele origin: germline. Affected: yes.
Comment: A variant of uncertain significance has been identified in the TAZ gene. The A254V variant has not been published as pathogenic or been reported as benign to our knowledge. This variant is observed in 0.1-0.4% alleles from individuals of East Asian background, including multiple unrelated hemizygous individuals in large population cohorts, which is greater than expected for this disorder (Lek et al., 2016; 1000 Genomes Consortium et al., 2015; Exome Variant Server). The A254V variant is a conservative amino acid substitution, which is not likely to impact secondary protein structure as these residues share similar properties. This substitution occurs at a position that is not conserved across species. Finally, in silico analysis is inconsistent in its predictions as to whether or not the variant is damaging to the protein structure/function.

Genome Diagnostics Laboratory, University Medical Center Utrecht
Classification: Likely benign. Review status: no assertion criteria provided. Collection method: clinical testing. Allele origin: germline. Affected: yes. Study: VKGL Data-share Consensus. Not counted in ClinVar's aggregate classification.

Joint Genome Diagnostic Labs from Nijmegen and Maastricht, Radboudumc and MUMC+
Classification: Likely benign. Review status: no assertion criteria provided. Collection method: clinical testing. Allele origin: germline. Affected: yes. Study: VKGL Data-share Consensus. Not counted in ClinVar's aggregate classification.